The following is an entry in ClinVar:

NM_152309.3(PIK3AP1):c.148G>A (p.Glu50Lys)

Gene: PIK3AP1 (phosphoinositide-3-kinase adaptor protein 1; minus strand). Cytogenetic location: 10q24.1.
Variant type: single nucleotide variant.
Coding change: c.148G>A on transcript NM_152309.3 (MANE Select); coding-DNA position 148, G replaced by A.
Protein change: p.Glu50Lys; replaces glutamic acid 50 with lysine.
Molecular consequence: missense variant.
Genome position (GRCh38, 1-based): chr10:96,709,849, C>T on the plus strand (G>A on the coding strand, the complement: PIK3AP1 is on the minus strand). VCF-style: chr10-96709849-C-T. GRCh37 (hg19) VCF-style: chr10-98469606-C-T.
Other names: short protein forms E50K.
Identifiers: ClinVar variation 4567902 (VCV004567902.2).
Genomic context (GRCh38, chr10:96,709,849, plus strand): 5'-GCACCACGACACAGCGGGTGCTGAGGAAAAGGCTTAGGTCCTCTGCCGAGAAGGAGGCCT[C>T]GGGGCCCAGCCTGTGAGTCAGTATCTTCTGGCTGCGGACCTGCCGACTGGACAGGAACAG-3'
Protein context (NP_689522.2, residues 40-60): QKILTHRLGP[Glu50Lys]ASFSAEDLSL

ClinVar aggregate classification (germline): Uncertain significance. Review status: criteria provided, multiple submitters, no conflicts (2 of 4 stars). 2 submissions from 2 submitters: Uncertain significance (2). Last evaluated 2025-10-29.

Conditions:
Infantile spasms. Also called: Infantile spasm. Identifiers: MedGen C3887898, HP:0012469.

gnomAD v4.1: 6 of 1,613,872 alleles (0.00037%); highest among the groups gnomAD compares: African/African-American, 0.0053%; no homozygotes.

Submissions (2):

Ambry Genetics
Classification: Uncertain significance. Last evaluated: 2025-10-29. Review status: criteria provided, single submitter. Criteria: Ambry Variant Classification Scheme 2023. Collection method: clinical testing. Allele origin: germline.

Labcorp Genetics (formerly Invitae), Labcorp
Classification: Uncertain significance for Infantile spasms. Last evaluated: 2025-07-14. Review status: criteria provided, single submitter. Criteria: Invitae Variant Classification Sherloc (09022015). Collection method: clinical testing. Allele origin: germline.
Comment: This sequence change replaces glutamic acid, which is acidic and polar, with lysine, which is basic and polar, at codon 50 of the PIK3AP1 protein (p.Glu50Lys). This variant is present in population databases (rs781711324, gnomAD 0.007%). This variant has not been reported in the literature in individuals affected with PIK3AP1-related conditions. An algorithm developed to predict the effect of missense changes on protein structure and function outputs the following: PolyPhen-2: "Benign". The lysine amino acid residue is found in multiple mammalian species, which suggests that this missense change does not adversely affect protein function. In summary, the available evidence is currently insufficient to determine the role of this variant in disease. Therefore, it has been classified as a Variant of Uncertain Significance.